The following is an entry in ClinVar:

NM_001165963.4(SCN1A):c.5636G>A (p.Ser1879Asn)

Genes: SCN1A (sodium voltage-gated channel alpha subunit 1; minus strand), LOC102724058 (uncharacterized LOC102724058; plus strand). Cytogenetic location: 2q24.3.
Variant type: single nucleotide variant.
Coding change: c.5636G>A on transcript NM_001165963.4 (MANE Select); coding-DNA position 5636, G replaced by A.
Protein change: p.Ser1879Asn; replaces serine 1879 with asparagine.
Molecular consequence: missense variant. On other transcripts: non-coding transcript variant (1).
Genome position (GRCh38, 1-based): chr2:165,991,639, C>T on the plus strand (G>A on the coding strand, the complement: SCN1A is on the minus strand). VCF-style: chr2-165991639-C-T. GRCh37 (hg19) VCF-style: chr2-166848149-C-T.
Other names: c.5552G>A, p.Ser1851Asn (NM_001165964.3, NM_001353957.2, NM_001353958.2); c.5636G>A, p.Ser1879Asn (NM_001202435.3, NM_001353948.2); c.5603G>A, p.Ser1868Asn (NM_001353949.2, NM_001353950.2, NM_001353951.2 and 2 more transcripts); c.5600G>A, p.Ser1867Asn (NM_001353954.2, NM_001353955.2); c.5549G>A, p.Ser1850Asn (NM_001353960.2); c.3194G>A, p.Ser1065Asn (NM_001353961.2); short protein forms S1879N, S1868N, S1851N, S1867N, S1065N, S1850N.
Identifiers: ClinVar variation 1963790 (VCV001963790.5), dbSNP rs112244937, ClinGen allele CA59798056.

ClinVar aggregate classification (germline): Uncertain significance (1 of 4 stars; one submission).

Conditions:
Early-infantile DEE. Also called: Early infantile epileptic encephalopathy; Ohtahara syndrome; Early infantile epileptic encephalopathy with suppression bursts. Identifiers: Orphanet 1934, MedGen C0393706, MONDO:0800491.

Allele frequency attached by ClinVar (database versions not stated): gnomAD exomes below 0.00001.
gnomAD v4.1: 1 of 1,613,950 alleles (0.000062%); highest among the groups gnomAD compares: Non-Finnish European, 0.000085%; no homozygotes.

Submission:

Labcorp Genetics (formerly Invitae), Labcorp
Classification: Uncertain significance for Early-infantile DEE. Last evaluated: 2022-04-29. Review status: criteria provided, single submitter. Criteria: Invitae Variant Classification Sherloc (09022015). Collection method: clinical testing. Allele origin: germline.
Comment: This sequence change replaces serine, which is neutral and polar, with asparagine, which is neutral and polar, at codon 1879 of the SCN1A protein (p.Ser1879Asn). This variant is not present in population databases (gnomAD no frequency). This variant has not been reported in the literature in individuals affected with SCN1A-related conditions. Advanced modeling of protein sequence and biophysical properties (such as structural, functional, and spatial information, amino acid conservation, physicochemical variation, residue mobility, and thermodynamic stability) performed at Invitae indicates that this missense variant is expected to disrupt SCN1A protein function. In summary, the available evidence is currently insufficient to determine the role of this variant in disease. Therefore, it has been classified as a Variant of Uncertain Significance.